The following is an entry in ClinVar:

ClinVar aggregate classification (germline): Uncertain significance (1 of 4 stars; one submission).

Conditions:
Cardiovascular phenotype. Identifiers: MedGen CN230736.

Submission:

Ambry Genetics
Classification: Uncertain significance for Cardiovascular phenotype. Last evaluated: 2018-03-07. Review status: criteria provided, single submitter. Criteria: Ambry Variant Classification Scheme 2023. Collection method: clinical testing. Allele origin: germline.
Comment: The c.545+2T>C intronic variant results from a T to C substitution two nucleotides after coding exon 3 in the TBX20 gene. This nucleotide position is highly conserved in available vertebrate species. Using the BDGP and ESEfinder splice site prediction tools, this alteration is predicted to abolish the native splice donor site; however, direct evidence is unavailable. Alterations that disrupt the canonical splice site are expected to cause aberrant splicing, resulting in an abnormal protein or a transcript that is subject to nonsense-mediated mRNA decay. However, loss of function of TBX20 has not been clearly established as a mechanism of disease, although the available evidence is suggestive. In addition, no splicing alterations in TBX20 have been reported to date. Since supporting evidence is limited at this time, the clinical significance of this alteration remains unclear.

NM_001077653.2(TBX20):c.545+2T>C

Gene: TBX20 (T-box transcription factor 20; minus strand). Cytogenetic location: 7p14.2.
Variant type: single nucleotide variant.
Coding change: c.545+2T>C on transcript NM_001077653.2 (MANE Select); the canonical splice donor site of the intron after coding-DNA position 545, T replaced by C.
Molecular consequence: splice donor variant.
Genome position (GRCh38, 1-based): chr7:35,248,675, A>G on the plus strand (T>C on the coding strand, the complement: TBX20 is on the minus strand). VCF-style: chr7-35248675-A-G. GRCh37 (hg19) VCF-style: chr7-35288287-A-G.
Other names: c.545+2T>C (NM_001166220.1).
Identifiers: ClinVar variation 1747608 (VCV001747608.2), dbSNP rs2546996339, ClinGen allele CA367264513.